The following is an entry in ClinVar:

ClinVar aggregate classification (germline): Uncertain significance (1 of 4 stars; one submission).

Submission:

Labcorp Genetics (formerly Invitae), Labcorp
Classification: Uncertain significance. Last evaluated: 2025-07-06. Review status: criteria provided, single submitter. Criteria: Invitae Variant Classification Sherloc (09022015). Collection method: clinical testing. Allele origin: germline.
Comment: This sequence change replaces isoleucine, which is neutral and non-polar, with serine, which is neutral and polar, at codon 188 of the RHAG protein (p.Ile188Ser). This variant is not present in population databases (gnomAD no frequency). This variant has not been reported in the literature in individuals affected with RHAG-related conditions. Invitae Evidence Modeling of protein sequence and biophysical properties (such as structural, functional, and spatial information, amino acid conservation, physicochemical variation, residue mobility, and thermodynamic stability) indicates that this missense variant is not expected to disrupt RHAG protein function with a negative predictive value of 80%. In summary, the available evidence is currently insufficient to determine the role of this variant in disease. Therefore, it has been classified as a Variant of Uncertain Significance.

NM_000324.3(RHAG):c.563T>G (p.Ile188Ser)

Gene: RHAG (Rh associated glycoprotein; minus strand). Cytogenetic location: 6p12.3.
Variant type: single nucleotide variant.
Coding change: c.563T>G on transcript NM_000324.3 (MANE Select); coding-DNA position 563, T replaced by G.
Protein change: p.Ile188Ser; replaces isoleucine 188 with serine.
Molecular consequence: missense variant.
Genome position (GRCh38, 1-based): chr6:49,615,701, A>C on the plus strand (T>G on the coding strand, the complement: RHAG is on the minus strand). VCF-style: chr6-49615701-A-C. GRCh37 (hg19) VCF-style: chr6-49583414-A-C.
Other names: short protein forms I188S.
Identifiers: ClinVar variation 4744539 (VCV004744539.1).